The following is an entry in ClinVar:

NM_001042492.3(NF1):c.5042dup (p.Asn1681fs)

Gene: NF1 (neurofibromin 1; plus strand). Cytogenetic location: 17q11.2.
Variant type: Duplication.
Coding change: c.5042dup on transcript NM_001042492.3 (MANE Select); coding-DNA position 5042, one base duplicated (A; older notation c.5042dupA).
Protein change: p.Asn1681fs; shifts the reading frame from asparagine 1681.
Molecular consequence: frameshift variant.
Genome position (GRCh38, 1-based): chr17:31,326,026, A duplicated; the last of 2 consecutive A bases (chr17:31,326,025-31,326,026); duplicating either gives the same sequence. VCF-style (leftmost placement, unchanged base first): chr17-31326024-T-TA. GRCh37 (hg19) VCF-style: chr17-29653042-T-TA.
Other names: c.4979dup, p.Asn1660Lysfs (NM_000267.4); short protein forms N1660fs, N1681fs.
Identifiers: ClinVar variation 1414333 (VCV001414333.6), dbSNP rs2151538243, ClinGen allele CA2573153359.

ClinVar aggregate classification (germline): Pathogenic (1 of 4 stars; one submission).

Conditions:
Neurofibromatosis, type 1 (NF1). Also called: Peripheral type neurofibromatosis; Neurofibromatosis, type I; VON RECKLINGHAUSEN DISEASE; NEUROFIBROMATOSIS, TYPE I, SOMATIC. Identifiers: Orphanet 636, MedGen C0027831, MONDO:0018975, OMIM 162200. Disease mechanism: loss of function.

Submission:

Labcorp Genetics (formerly Invitae), Labcorp
Classification: Pathogenic for Neurofibromatosis, type 1. Last evaluated: 2021-08-13. Review status: criteria provided, single submitter. Criteria: Invitae Variant Classification Sherloc (09022015). Collection method: clinical testing. Allele origin: germline.
Comment: This sequence change creates a premature translational stop signal (p.Asn1660Lysfs*3) in the NF1 gene. It is expected to result in an absent or disrupted protein product. Loss-of-function variants in NF1 are known to be pathogenic (PMID: 10712197, 23913538). This variant is not present in population databases (ExAC no frequency). This variant has not been reported in the literature in individuals affected with NF1-related conditions. For these reasons, this variant has been classified as Pathogenic.

Literature cited by the submitters: PubMed 10712197; PubMed 23913538.